The following is an entry in ClinVar:

NM_001128840.3(CACNA1D):c.6110C>T (p.Thr2037Ile)

Gene: CACNA1D (calcium voltage-gated channel subunit alpha1 D; plus strand). Cytogenetic location: 3p21.1.
Variant type: single nucleotide variant.
Coding change: c.6110C>T on transcript NM_001128840.3 (MANE Select); coding-DNA position 6110, C replaced by T.
Protein change: p.Thr2037Ile; replaces threonine 2037 with isoleucine.
Molecular consequence: missense variant.
Genome position (GRCh38, 1-based): chr3:53,810,216, C>T. VCF-style: chr3-53810216-C-T. GRCh37 (hg19) VCF-style: chr3-53844243-C-T.
Other names: c.6170C>T, p.Thr2057Ile (NM_000720.4); c.6038C>T, p.Thr2013Ile (NM_001128839.3); short protein forms T2037I, T2013I, T2057I.
Identifiers: ClinVar variation 1904258 (VCV001904258.5), dbSNP rs2095589510, ClinGen allele CA353258505.

ClinVar aggregate classification (germline): Uncertain significance (1 of 4 stars; one submission).

Allele frequency attached by ClinVar (database versions not stated): TOPMed below 0.00001; gnomAD exomes 0.00001.
gnomAD v4.1: 8 of 1,614,004 alleles (0.0005%); highest among the groups gnomAD compares: Non-Finnish European, 0.00068%; no homozygotes.

Submission:

Labcorp Genetics (formerly Invitae), Labcorp
Classification: Uncertain significance. Last evaluated: 2023-11-02. Review status: criteria provided, single submitter. Criteria: Invitae Variant Classification Sherloc (09022015). Collection method: clinical testing. Allele origin: germline.
Comment: This sequence change replaces threonine, which is neutral and polar, with isoleucine, which is neutral and non-polar, at codon 2057 of the CACNA1D protein (p.Thr2057Ile). This variant is not present in population databases (gnomAD no frequency). This variant has not been reported in the literature in individuals affected with CACNA1D-related conditions. ClinVar contains an entry for this variant (Variation ID: 1904258). An algorithm developed to predict the effect of missense changes on protein structure and function (PolyPhen-2) suggests that this variant is likely to be disruptive. In summary, the available evidence is currently insufficient to determine the role of this variant in disease. Therefore, it has been classified as a Variant of Uncertain Significance.